The following is an entry in ClinVar:

NM_004287.5(GOSR2):c.451C>G (p.Leu151Val)

Genes: GOSR2 (golgi SNAP receptor complex member 2; plus strand), LRRC37A2 (leucine rich repeat containing 37 member A2). Cytogenetic location: 17q21.32.
Variant type: single nucleotide variant.
Coding change: c.451C>G on transcript NM_004287.5 (MANE Select); coding-DNA position 451, C replaced by G.
Protein change: p.Leu151Val; replaces leucine 151 with valine.
Molecular consequence: missense variant. On other transcripts: non-coding transcript variant (1), intron variant (4).
Genome position (GRCh38, 1-based): chr17:46,935,143, C>G. VCF-style: chr17-46935143-C-G. GRCh37 (hg19) VCF-style: chr17-45012509-C-G.
Other names: p.Leu151Val; c.451C>G, p.Leu151Val (NM_001012511.3, NM_001321133.2, NM_054022.4); c.448C>G, p.Leu150Val (NM_001353114.2); c.397C>G, p.Leu133Val (NM_001363851.2); c.282+2944C>G (NM_001321134.2); c.336+2944C>G (NM_001330252.2); c.333+2944C>G (NM_001353115.2, NM_001353116.2); c.451C>G (NM_004287.4); short protein forms L150V, L151V, L133V.
Identifiers: ClinVar variation 1353234 (VCV001353234.4), dbSNP rs756144831, ClinGen allele CA8621297.
Genomic context (GRCh38, chr17:46,935,143, plus strand): 5'-CAGAAAGTTCACAACGGCATGGATGACCTCATTTTAGATGGGCACAATATTTTAGATGGA[C>G]TGAGGACCCAGAGACTGACCTTGAAGGTGGGGTCCCTGCTGGGGGACAGAGAGAAGGCCT-3'
Protein context (NP_004278.2, residues 141-161): ILDGHNILDG[Leu151Val]RTQRLTLKGT

ClinVar aggregate classification (germline): Uncertain significance. Review status: criteria provided, multiple submitters, no conflicts (2 of 4 stars). 2 submissions from 2 submitters: Uncertain significance (2). Last evaluated 2025-06-04.

Conditions:
Progressive myoclonic epilepsy. Also called: Myoclonus epilepsy; Progressive myoclonus epilepsy; Familial progressive myoclonic epilepsy; Myoclonic Epilepsies, Progressive. Identifiers: Orphanet 308, Orphanet 98261, MedGen C0751778, MONDO:0020074.

Allele frequency attached by ClinVar (database versions not stated): gnomAD 0.00001; ExAC 0.00002; gnomAD exomes 0.00001 and below 0.00001; TOPMed below 0.00001.
gnomAD v4.1: 2 of 1,613,992 alleles (0.00012%); highest among the groups gnomAD compares: East Asian, 0.0022%; no homozygotes.

Submissions (2):

Mayo Clinic Laboratories, Mayo Clinic
Classification: Uncertain significance. Last evaluated: 2025-06-04. Review status: criteria provided, single submitter. Criteria: ACMG Guidelines, 2015. Collection method: clinical testing. Allele origin: germline. Observed: 1 variant allele.
Comment: PP3_moderate, PM2_supporting

Labcorp Genetics (formerly Invitae), Labcorp
Classification: Uncertain significance for Progressive myoclonic epilepsy. Last evaluated: 2022-08-23. Review status: criteria provided, single submitter. Criteria: Invitae Variant Classification Sherloc (09022015). Collection method: clinical testing. Allele origin: germline.
Comment: This sequence change replaces leucine, which is neutral and non-polar, with valine, which is neutral and non-polar, at codon 151 of the GOSR2 protein (p.Leu151Val). This variant is present in population databases (rs756144831, gnomAD 0.0009%). This variant has not been reported in the literature in individuals affected with GOSR2-related conditions. ClinVar contains an entry for this variant (Variation ID: 1353234). Algorithms developed to predict the effect of missense changes on protein structure and function (SIFT, PolyPhen-2, Align-GVGD) all suggest that this variant is likely to be disruptive. Algorithms developed to predict the effect of sequence changes on RNA splicing suggest that this variant may create or strengthen a splice site. In summary, the available evidence is currently insufficient to determine the role of this variant in disease. Therefore, it has been classified as a Variant of Uncertain Significance.